The following is an entry in ClinVar:

ClinVar aggregate classification (germline): Uncertain significance (1 of 4 stars; one submission).

Conditions:
Hereditary cancer-predisposing syndrome. Also called: Tumor predisposition; Hereditary Cancer Syndrome; Neoplastic Syndromes, Hereditary; Hereditary neoplastic syndrome. Identifiers: Orphanet 140162, MedGen C0027672, MeSH D009386, MONDO:0015356.

Allele frequency attached by ClinVar (database versions not stated): gnomAD exomes below 0.00001; TOPMed 0.00001.
gnomAD v4.1: 5 of 1,614,160 alleles (0.00031%); highest among the groups gnomAD compares: East Asian, 0.0022%; no homozygotes.

Submission:

Ambry Genetics
Classification: Uncertain significance for Hereditary cancer-predisposing syndrome. Last evaluated: 2024-06-03. Review status: criteria provided, single submitter. Criteria: Ambry Variant Classification Scheme 2023. Collection method: clinical testing. Allele origin: germline.
Comment: The p.R91Q variant (also known as c.272G>A), located in coding exon 1 of the GREM1 gene, results from a G to A substitution at nucleotide position 272. The arginine at codon 91 is replaced by glutamine, an amino acid with highly similar properties. This amino acid position is conserved. In addition, this alteration is predicted to be tolerated by in silico analysis. Since supporting evidence is limited at this time, the clinical significance of this alteration remains unclear.

NM_013372.7(GREM1):c.272G>A (p.Arg91Gln)

Gene: GREM1 (gremlin 1, DAN family BMP antagonist; plus strand). Cytogenetic location: 15q13.3.
Variant type: single nucleotide variant.
Coding change: c.272G>A on transcript NM_013372.7 (MANE Select); coding-DNA position 272, G replaced by A.
Protein change: p.Arg91Gln; replaces arginine 91 with glutamine.
Molecular consequence: missense variant.
Genome position (GRCh38, 1-based): chr15:32,730,962, G>A. VCF-style: chr15-32730962-G-A. GRCh37 (hg19) VCF-style: chr15-33023163-G-A.
Other names: c.62G>A, p.Arg21Gln (NM_001191322.2); c.149G>A, p.Arg50Gln (NM_001191323.2); c.272G>A, p.Arg91Gln (NM_001368719.1); short protein forms R21Q, R50Q, R91Q.
Identifiers: ClinVar variation 1795277 (VCV001795277.3), dbSNP rs1216397987, ClinGen allele CA391557565.